The following is an entry in ClinVar:

ClinVar aggregate classification (germline): Benign/Likely benign. Review status: criteria provided, multiple submitters, no conflicts (2 of 4 stars). 5 submissions from 5 submitters: Benign (1); Likely benign (4). Last evaluated 2025-02-05.

Conditions:
Catecholaminergic polymorphic ventricular tachycardia (CVPT). Also called: Catecholamine-induced polymorphic ventricular tachycardia. Identifiers: Orphanet 3286, MedGen C5574922, MONDO:0017990.
Catecholaminergic polymorphic ventricular tachycardia 1. Also called: RYR2-Related Catecholaminergic Polymorphic Ventricular Tachycardia; VENTRICULAR TACHYCARDIA, CATECHOLAMINERGIC POLYMORPHIC, 1, WITH OR WITHOUT ATRIAL DYSFUNCTION AND/OR DILATED CARDIOMYOPATHY; VENTRICULAR TACHYCARDIA, STRESS-INDUCED POLYMORPHIC 1. Identifiers: Orphanet 3286, MedGen C1631597, MONDO:0011484, OMIM 604772.
Cardiovascular phenotype. Identifiers: MedGen CN230736.
Cardiomyopathy (CMYO). Also called: Cardiomyopathies. Identifiers: Orphanet 167848, MedGen C0878544, MONDO:0004994, HP:0001638. Inheritance: Various modes of inheritance.

Allele frequency attached by ClinVar (database versions not stated): gnomAD below 0.00001 and 0.00003; 1000 Genomes Project 30x 0.00016; 1000 Genomes Project 0.00020.
gnomAD v4.1: 37 of 1,614,008 alleles (0.0023%); highest among the groups gnomAD compares: South Asian, 0.041%; no homozygotes.

Submissions (5):

Labcorp Genetics (formerly Invitae), Labcorp
Classification: Likely benign for Catecholaminergic polymorphic ventricular tachycardia 1. Last evaluated: 2025-02-05. Review status: criteria provided, single submitter. Criteria: Invitae Variant Classification Sherloc (09022015). Collection method: clinical testing. Allele origin: germline.

All of Us Research Program, National Institutes of Health
Classification: Likely benign for Catecholaminergic polymorphic ventricular tachycardia. Last evaluated: 2024-02-05. Review status: criteria provided, single submitter. Criteria: ACMG Guidelines, 2015. Collection method: clinical testing. Allele origin: germline. Inheritance: Autosomal dominant inheritance. Observed: 4 variant alleles, 4 heterozygotes.
Comment: This study involves interpretation of variants in research participants for the purpose of population health screening. Participant phenotype was not available at the time of variant classification. Additional details can be found in publication PMID: 35346344, PMCID: PMC8962531

Ambry Genetics
Classification: Likely benign for Cardiovascular phenotype. Last evaluated: 2019-09-18. Review status: criteria provided, single submitter. Criteria: Ambry Variant Classification Scheme 2023. Collection method: clinical testing. Allele origin: germline.

Color Diagnostics, LLC DBA Color Health
Classification: Likely benign for Cardiomyopathy. Last evaluated: 2018-10-16. Review status: criteria provided, single submitter. Criteria: ACMG Guidelines, 2015. Collection method: clinical testing. Allele origin: germline.

CHEO Genetics Diagnostic Laboratory, Children's Hospital of Eastern Ontario
Classification: Benign for Cardiomyopathy. Last evaluated: 2017-11-29. Review status: criteria provided, single submitter. Criteria: ACMG Guidelines, 2015. Collection method: clinical testing. Allele origin: germline.

NM_001035.3(RYR2):c.5241C>G (p.Gly1747=)

Gene: RYR2 (ryanodine receptor 2; plus strand). Cytogenetic location: 1q43.
Variant type: single nucleotide variant.
Coding change: c.5241C>G on transcript NM_001035.3 (MANE Select); coding-DNA position 5241, C replaced by G.
Protein change: p.Gly1747=; no amino-acid change (glycine 1747 retained).
Molecular consequence: synonymous variant.
Genome position (GRCh38, 1-based): chr1:237,614,369, C>G. VCF-style: chr1-237614369-C-G. GRCh37 (hg19) VCF-style: chr1-237777669-C-G.
Other names: c.5241C>G, p.Gly1747= (LRG_402t1).
Identifiers: ClinVar variation 629648 (VCV000629648.17), dbSNP rs533362755, ClinGen allele CA086855.